The following is an entry in ClinVar:

NM_015443.4(KANSL1):c.1702G>C (p.Glu568Gln)

Gene: KANSL1 (KAT8 regulatory NSL complex subunit 1). Cytogenetic location: 17q21.31.
Variant type: single nucleotide variant.
Coding change: c.1702G>C on transcript NM_015443.4 (MANE Select); coding-DNA position 1702, G replaced by C.
Protein change: p.Glu568Gln; replaces glutamic acid 568 with glutamine.
Molecular consequence: missense variant.
Genome position (GRCh38, 1-based): chr17:46,066,683, C>G on the plus strand (G>C on the coding strand, the complement: KANSL1 is on the minus strand). VCF-style: chr17-46066683-C-G. GRCh37 (hg19) VCF-style: chr17-44144049-C-G.
Other names: c.1702G>C, p.Glu568Gln (NM_001193465.2, NM_001193466.2, NM_001379198.1 and 14 more transcripts); c.1600G>C, p.Glu534Gln (NM_001405859.1, NM_001405860.1, NM_001405861.1 and 1 more transcripts); c.436G>C, p.Glu146Gln (NM_001405882.1, NM_001405883.1, NM_001405884.1 and 1 more transcripts); short protein forms E534Q, E568Q, E146Q.
Identifiers: ClinVar variation 3531752 (VCV003531752.4).

ClinVar aggregate classification (germline): Uncertain significance. Review status: criteria provided, multiple submitters, no conflicts (2 of 4 stars). 3 submissions from 3 submitters: Uncertain significance (3). Last evaluated 2026-05-18.

Conditions:
Koolen-de Vries syndrome (KDVS). Identifiers: Orphanet 96169, MedGen C1864871, MONDO:0012496, OMIM 610443.
Inborn genetic diseases. Identifiers: MedGen C0950123, MeSH D030342.

gnomAD v4.1: 1 of 1,614,126 alleles (0.000062%); no homozygotes.

Submissions (3):

Women's Health and Genetics/Laboratory Corporation of America, LabCorp
Classification: Uncertain significance. Last evaluated: 2026-05-18. Review status: criteria provided, single submitter. Criteria: LabCorp Variant Classification Summary - May 2015. Collection method: clinical testing. Allele origin: germline.
Comment: Variant summary: KANSL1 c.1702G>C (p.Glu568Gln) results in a conservative amino acid change in the encoded protein sequence. Algorithms developed to predict the effect of missense changes on protein structure and function are either unavailable or do not agree on the potential impact of this missense change. The variant was absent in 250952 control chromosomes. The available data on variant occurrences in the general population are insufficient to allow any conclusion about variant significance. To our knowledge, no occurrence of c.1702G>C in individuals affected with KANSL1-related conditions and no experimental evidence demonstrating its impact on protein function have been reported. ClinVar contains an entry for this variant (Variation ID: 3531752). Based on the evidence outlined above, the variant was classified as uncertain significance.

Ambry Genetics
Classification: Uncertain significance for Inborn genetic diseases. Last evaluated: 2024-11-14. Review status: criteria provided, single submitter. Criteria: Ambry Variant Classification Scheme 2023. Collection method: clinical testing. Allele origin: germline.

Labcorp Genetics (formerly Invitae), Labcorp
Classification: Uncertain significance for Koolen-de Vries syndrome. Last evaluated: 2024-02-17. Review status: criteria provided, single submitter. Criteria: Invitae Variant Classification Sherloc (09022015). Collection method: clinical testing. Allele origin: germline.
Comment: This sequence change replaces glutamic acid, which is acidic and polar, with glutamine, which is neutral and polar, at codon 568 of the KANSL1 protein (p.Glu568Gln). This variant is not present in population databases (gnomAD no frequency). This variant has not been reported in the literature in individuals affected with KANSL1-related conditions. Advanced modeling of protein sequence and biophysical properties (such as structural, functional, and spatial information, amino acid conservation, physicochemical variation, residue mobility, and thermodynamic stability) performed at Invitae indicates that this missense variant is not expected to disrupt KANSL1 protein function with a negative predictive value of 80%. In summary, the available evidence is currently insufficient to determine the role of this variant in disease. Therefore, it has been classified as a Variant of Uncertain Significance.